The following is an entry in ClinVar:

NM_003036.4(SKI):c.1166G>A (p.Ser389Asn)

Gene: SKI (SKI proto-oncogene; plus strand). Cytogenetic location: 1p36.32.
Variant type: single nucleotide variant.
Coding change: c.1166G>A on transcript NM_003036.4 (MANE Select); coding-DNA position 1166, G replaced by A.
Protein change: p.Ser389Asn; replaces serine 389 with asparagine.
Molecular consequence: missense variant.
Genome position (GRCh38, 1-based): chr1:2,303,355, G>A. VCF-style: chr1-2303355-G-A. GRCh37 (hg19) VCF-style: chr1-2234794-G-A.
Other names: short protein forms S389N.
Identifiers: ClinVar variation 4843415 (VCV004843415.1).
Genomic context (GRCh38, chr1:2,303,355, plus strand): 5'-GTGTTCACCCTCGCCAGCGCCTCTCTGCTTTCCGACCCTGGTCCCCCGCAGTGTCAGCGA[G>A]TGAGAAAGAGCTCTCCCCACACCTCCCGGCCCTCATCCGAGACAGGTGAGTGGGCGCCAT-3'
Protein context (NP_003027.1, residues 379-399): FRPWSPAVSA[Ser389Asn]EKELSPHLPA

ClinVar aggregate classification (germline): Uncertain significance (1 of 4 stars; one submission).

Conditions:
Familial thoracic aortic aneurysm and aortic dissection (TAAD). Also called: Thoracic aortic aneurysms and dissections. Identifiers: Orphanet 91387, MedGen C4707243, MONDO:0019625.

Submission:

Ambry Genetics
Classification: Uncertain significance for Familial thoracic aortic aneurysm and aortic dissection. Last evaluated: 2025-12-26. Review status: criteria provided, single submitter. Criteria: Ambry Variant Classification Scheme 2023. Collection method: clinical testing. Allele origin: germline.
Comment: The p.S389N variant (also known as c.1166G>A), located in coding exon 3 of the SKI gene, results from a G to A substitution at nucleotide position 1166. The serine at codon 389 is replaced by asparagine, an amino acid with highly similar properties. This amino acid position is conserved. In addition, this alteration is predicted to be tolerated by in silico analysis. Based on the available evidence, the clinical significance of this variant remains unclear.